The following is an entry in ClinVar:

NM_007118.4(TRIO):c.3445C>A (p.Gln1149Lys)

Gene: TRIO (trio Rho guanine nucleotide exchange factor; plus strand). Cytogenetic location: 5p15.2.
Variant type: single nucleotide variant.
Coding change: c.3445C>A on transcript NM_007118.4 (MANE Select); coding-DNA position 3445, C replaced by A.
Protein change: p.Gln1149Lys; replaces glutamine 1149 with lysine.
Molecular consequence: missense variant. On other transcripts: non-coding transcript variant (1).
Genome position (GRCh38, 1-based): chr5:14,378,125, C>A. VCF-style: chr5-14378125-C-A. GRCh37 (hg19) VCF-style: chr5-14378234-C-A.
Other names: short protein forms Q1149K.
Identifiers: ClinVar variation 4881015 (VCV004881015.2).

ClinVar aggregate classification (germline): Uncertain significance (1 of 4 stars; one submission).

Submission:

Dasa
Classification: Uncertain significance. Last evaluated: 2026-04-10. Review status: criteria provided, single submitter. Criteria: DASA Assertion Criteria. Collection method: clinical testing. Allele origin: germline.
Comment: NM_007118.4(TRIO):c.3445C>A (p.Gln1149Lys) is a missense variant that results in the substitution of glutamine with lysine. This variant is absent from population databases. Computational prediction algorithms are consistent with a deleterious effect. The currently available literature and clinical evidence are not sufficient to establish a definitive association between this variant and the reported condition. Therefore, this variant is classified as a variant of uncertain significance.